The following is an entry in ClinVar:

NM_015692.5(CPAMD8):c.889G>A (p.Asp297Asn)

Gene: CPAMD8 (C3 and PZP like alpha-2-macroglobulin domain containing 8; minus strand). Cytogenetic location: 19p13.11.
Variant type: single nucleotide variant.
Coding change: c.889G>A on transcript NM_015692.5 (MANE Select); coding-DNA position 889, G replaced by A.
Protein change: p.Asp297Asn; replaces aspartic acid 297 with asparagine.
Molecular consequence: missense variant.
Genome position (GRCh38, 1-based): chr19:16,997,317, C>T on the plus strand (G>A on the coding strand, the complement: CPAMD8 is on the minus strand). VCF-style: chr19-16997317-C-T. GRCh37 (hg19) VCF-style: chr19-17108127-C-T.
Other names: short protein forms D297N.
Identifiers: ClinVar variation 777901 (VCV000777901.38), dbSNP rs61744199, ClinGen allele CA9285896.

ClinVar aggregate classification (germline): Benign. Review status: criteria provided, multiple submitters, no conflicts (2 of 4 stars). 4 submissions from 4 submitters: Benign (3). 1 of the submissions does not count toward it. Last evaluated 2026-02-02.

Conditions:
CPAMD8-related disorder. Also called: CPAMD8-related condition.

Allele frequency attached by ClinVar (database versions not stated): 1000 Genomes Project 30x 0.00656; 1000 Genomes Project 0.00679; gnomAD 0.00940 and 0.00959; ExAC 0.00954; TOPMed 0.01015; ESP Exome Variant Server 0.01232.
gnomAD v4.1: 16,651 of 1,578,920 alleles (1.1%); highest among the groups gnomAD compares: Non-Finnish European, 1.2%; 114 homozygotes.

Submissions (4):

Labcorp Genetics (formerly Invitae), Labcorp
Classification: Benign. Last evaluated: 2026-02-02. Review status: criteria provided, single submitter. Criteria: Invitae Variant Classification Sherloc (09022015). Collection method: clinical testing. Allele origin: germline.

CeGaT Center for Human Genetics Tuebingen
Classification: Benign. Last evaluated: 2023-04-01. Review status: criteria provided, single submitter. Criteria: CeGaT Center For Human Genetics Tuebingen Variant Classification Criteria Version 2. Collection method: clinical testing. Allele origin: germline. Affected: yes. Observed: 2 variant alleles.
Comment: CPAMD8: BP4, BS1, BS2

Breakthrough Genomics
Classification: Benign. Review status: criteria provided, single submitter. Criteria: ACMG Guidelines, 2015. Collection method: not provided. Allele origin: germline. Inheritance: Autosomal recessive inheritance. Affected: yes.

PreventionGenetics, part of Exact Sciences
Classification: Benign for CPAMD8-related condition. Last evaluated: 2019-07-11. Review status: no assertion criteria provided. Collection method: clinical testing. Allele origin: germline. Not counted in ClinVar's aggregate classification.
Comment: This variant is classified as benign based on ACMG/AMP sequence variant interpretation guidelines (Richards et al. 2015 PMID: 25741868, with internal and published modifications).